The following is an entry in ClinVar:

NM_001197104.2(KMT2A):c.3156+6C>T

Gene: KMT2A (lysine methyltransferase 2A; plus strand). Cytogenetic location: 11q23.3.
Variant type: single nucleotide variant.
Coding change: c.3156+6C>T on transcript NM_001197104.2 (MANE Select); 6 bases into the intron after coding-DNA position 3156, C replaced by T.
Molecular consequence: intron variant.
Genome position (GRCh38, 1-based): chr11:118,474,321, C>T. VCF-style: chr11-118474321-C-T. GRCh37 (hg19) VCF-style: chr11-118345036-C-T.
Other names: c.3255+6C>T (NM_001412597.1); c.3156+6C>T (NM_005933.4).
Identifiers: ClinVar variation 4721991 (VCV004721991.1).

ClinVar aggregate classification (germline): Uncertain significance (1 of 4 stars; one submission).

Submission:

Labcorp Genetics (formerly Invitae), Labcorp
Classification: Uncertain significance. Last evaluated: 2025-09-21. Review status: criteria provided, single submitter. Criteria: Invitae Variant Classification Sherloc (09022015). Collection method: clinical testing. Allele origin: germline.
Comment: This sequence change falls in intron 3 of the KMT2A gene. It does not directly change the encoded amino acid sequence of the KMT2A protein. It affects a nucleotide within the consensus splice site. This variant is not present in population databases (gnomAD no frequency). This variant has not been reported in the literature in individuals affected with KMT2A-related conditions. Variants that disrupt the consensus splice site are a relatively common cause of aberrant splicing (PMID: 17576681, 9536098). Algorithms developed to predict the effect of sequence changes on RNA splicing suggest that this variant is not likely to affect RNA splicing. In summary, the available evidence is currently insufficient to determine the role of this variant in disease. Therefore, it has been classified as a Variant of Uncertain Significance.

Literature cited by the submitters: PubMed 17576681; PubMed 9536098.